The following is an entry in ClinVar:

NM_004370.6(COL12A1):c.1467T>G (p.His489Gln)

Gene: COL12A1 (collagen type XII alpha 1 chain; minus strand). Cytogenetic location: 6q13.
Variant type: single nucleotide variant.
Coding change: c.1467T>G on transcript NM_004370.6 (MANE Select); coding-DNA position 1467, T replaced by G.
Protein change: p.His489Gln; replaces histidine 489 with glutamine.
Molecular consequence: missense variant. On other transcripts: intron variant (1).
Genome position (GRCh38, 1-based): chr6:75,183,474, A>C on the plus strand (T>G on the coding strand, the complement: COL12A1 is on the minus strand). VCF-style: chr6-75183474-A-C. GRCh37 (hg19) VCF-style: chr6-75893190-A-C.
Other names: c.73+19246T>G (NM_080645.3); short protein forms H489Q.
Identifiers: ClinVar variation 1517496 (VCV001517496.6), dbSNP rs779234808, ClinGen allele CA364770153.

ClinVar aggregate classification (germline): Uncertain significance (1 of 4 stars; one submission).

Conditions:
Ullrich congenital muscular dystrophy 2 (UCMD2). Identifiers: Orphanet 75840, MedGen C4225314, MONDO:0014654, OMIM 616470.
Bethlem myopathy 2 (BTHLM2). Identifiers: Orphanet 536516, Orphanet 610, MedGen C4225313, MONDO:0034022, OMIM 616471.

Submission:

Labcorp Genetics (formerly Invitae), Labcorp
Classification: Uncertain significance for Bethlem myopathy 2; Ullrich congenital muscular dystrophy 2. Last evaluated: 2022-06-20. Review status: criteria provided, single submitter. Criteria: Invitae Variant Classification Sherloc (09022015). Collection method: clinical testing. Allele origin: germline.
Comment: This sequence change replaces histidine, which is basic and polar, with glutamine, which is neutral and polar, at codon 489 of the COL12A1 protein (p.His489Gln). This variant is not present in population databases (gnomAD no frequency). This variant has not been reported in the literature in individuals affected with COL12A1-related conditions. Algorithms developed to predict the effect of missense changes on protein structure and function are either unavailable or do not agree on the potential impact of this missense change (SIFT: "Deleterious"; PolyPhen-2: "Possibly Damaging"; Align-GVGD: "Class C0"). In summary, the available evidence is currently insufficient to determine the role of this variant in disease. Therefore, it has been classified as a Variant of Uncertain Significance.